The following is an entry in ClinVar:

NM_001110219.3(GJB6):c.620T>C (p.Val207Ala)

Gene: GJB6 (gap junction protein beta 6; minus strand). Cytogenetic location: 13q12.11.
Variant type: single nucleotide variant.
Coding change: c.620T>C on transcript NM_001110219.3 (MANE Select); coding-DNA position 620, T replaced by C.
Protein change: p.Val207Ala; replaces valine 207 with alanine.
Molecular consequence: missense variant.
Genome position (GRCh38, 1-based): chr13:20,222,861, A>G on the plus strand (T>C on the coding strand, the complement: GJB6 is on the minus strand). VCF-style: chr13-20222861-A-G. GRCh37 (hg19) VCF-style: chr13-20797000-A-G.
Other names: p.Val207Ala; c.620T>C, p.Val207Ala (NM_001110220.3, NM_001110221.3, NM_001370090.1 and 3 more transcripts); short protein forms V207A.
Identifiers: ClinVar variation 2683222 (VCV002683222.1), dbSNP rs2500310116, ClinGen allele CA387467598.
Genomic context (GRCh38, chr13:20,222,861, plus strand): 5'-GTCTGTGCTCTCTTTGATCTCCTAAAACACACTTTCAGCAGCAGGTAGCACAACTCTGCC[A>G]CGTTAAGCAGCATGCAAATCACAGACGCAGAAATCATAAAAATGGTAAACACGGTCTTCT-3'
Protein context (NP_001103689.1, residues 197-217): SASVICMLLN[Val207Ala]AELCYLLLKV

ClinVar aggregate classification (germline): Uncertain significance (1 of 4 stars; one submission).

Submission:

Mayo Clinic Laboratories, Mayo Clinic
Classification: Uncertain significance. Last evaluated: 2022-04-18. Review status: criteria provided, single submitter. Criteria: ACMG Guidelines, 2015. Collection method: clinical testing. Allele origin: germline. Observed: 1 variant allele.
Comment: PP3, PM2